The following is an entry in ClinVar:

ClinVar aggregate classification (germline): Uncertain significance. Review status: criteria provided, multiple submitters, no conflicts (2 of 4 stars). 2 submissions from 2 submitters: Uncertain significance (2). Last evaluated 2025-11-06.

Conditions:
Early-infantile DEE. Also called: Early infantile epileptic encephalopathy; Ohtahara syndrome; Early infantile epileptic encephalopathy with suppression bursts. Identifiers: Orphanet 1934, MedGen C0393706, MONDO:0800491.
Inborn genetic diseases. Identifiers: MedGen C0950123, MeSH D030342.

gnomAD v4.1: 1 of 1,613,886 alleles (0.000062%); highest among the groups gnomAD compares: African/African-American, 0.0013%; no homozygotes.

Submissions (2):

Labcorp Genetics (formerly Invitae), Labcorp
Classification: Uncertain significance for Early-infantile DEE. Last evaluated: 2025-11-06. Review status: criteria provided, single submitter. Criteria: Invitae Variant Classification Sherloc (09022015). Collection method: clinical testing. Allele origin: germline.
Comment: This sequence change replaces lysine, which is basic and polar, with glutamine, which is neutral and polar, at codon 1957 of the SCN8A protein (p.Lys1957Gln). This variant is not present in population databases (gnomAD no frequency). This variant has not been reported in the literature in individuals affected with SCN8A-related conditions. ClinVar contains an entry for this variant (Variation ID: 4160684). Invitae Evidence Modeling of protein sequence and biophysical properties (such as structural, functional, and spatial information, amino acid conservation, physicochemical variation, residue mobility, and thermodynamic stability) indicates that this missense variant is not expected to disrupt SCN8A protein function with a negative predictive value of 95%. In summary, the available evidence is currently insufficient to determine the role of this variant in disease. Therefore, it has been classified as a Variant of Uncertain Significance.

Ambry Genetics
Classification: Uncertain significance for Inborn genetic diseases. Last evaluated: 2025-08-03. Review status: criteria provided, single submitter. Criteria: Ambry Variant Classification Scheme 2023. Collection method: clinical testing. Allele origin: germline.

NM_001330260.2(SCN8A):c.5869A>C (p.Lys1957Gln)

Gene: SCN8A (sodium voltage-gated channel alpha subunit 8; plus strand). Cytogenetic location: 12q13.13.
Variant type: single nucleotide variant.
Coding change: c.5869A>C on transcript NM_001330260.2 (MANE Select); coding-DNA position 5869, A replaced by C.
Protein change: p.Lys1957Gln; replaces lysine 1957 with glutamine.
Molecular consequence: missense variant.
Genome position (GRCh38, 1-based): chr12:51,807,355, A>C. VCF-style: chr12-51807355-A-C. GRCh37 (hg19) VCF-style: chr12-52201139-A-C.
Other names: c.5746A>C, p.Lys1916Gln (NM_001177984.3, NM_001369788.1); c.5869A>C, p.Lys1957Gln (NM_014191.4); short protein forms K1916Q, K1957Q.
Identifiers: ClinVar variation 4160684 (VCV004160684.2).